The following is an entry in ClinVar:

NM_004366.6(CLCN2):c.2285T>C (p.Leu762Pro)

Gene: CLCN2 (chloride voltage-gated channel 2; minus strand). Cytogenetic location: 3q27.1.
Variant type: single nucleotide variant.
Coding change: c.2285T>C on transcript NM_004366.6 (MANE Select); coding-DNA position 2285, T replaced by C.
Protein change: p.Leu762Pro; replaces leucine 762 with proline.
Molecular consequence: missense variant.
Genome position (GRCh38, 1-based): chr3:184,352,318, A>G on the plus strand (T>C on the coding strand, the complement: CLCN2 is on the minus strand). VCF-style: chr3-184352318-A-G. GRCh37 (hg19) VCF-style: chr3-184070106-A-G.
Other names: c.2234T>C, p.Leu745Pro (NM_001171087.3); c.2153T>C, p.Leu718Pro (NM_001171088.3); c.2285T>C, p.Leu762Pro (NM_001171089.3); short protein forms L718P, L745P, L762P.
Identifiers: ClinVar variation 1938550 (VCV001938550.6), dbSNP rs1462006857, ClinGen allele CA355447347.

ClinVar aggregate classification (germline): Uncertain significance. Review status: criteria provided, multiple submitters, no conflicts (2 of 4 stars). 2 submissions from 2 submitters: Uncertain significance (2). Last evaluated 2022-07-12.

Conditions:
Inborn genetic diseases. Identifiers: MedGen C0950123, MeSH D030342.

Allele frequency attached by ClinVar (database versions not stated): gnomAD exomes below 0.00001; TOPMed 0.00001.

Submissions (2):

Labcorp Genetics (formerly Invitae), Labcorp
Classification: Uncertain significance. Last evaluated: 2022-07-12. Review status: criteria provided, single submitter. Criteria: Invitae Variant Classification Sherloc (09022015). Collection method: clinical testing. Allele origin: germline.
Comment: In summary, the available evidence is currently insufficient to determine the role of this variant in disease. Therefore, it has been classified as a Variant of Uncertain Significance. Advanced modeling of protein sequence and biophysical properties (such as structural, functional, and spatial information, amino acid conservation, physicochemical variation, residue mobility, and thermodynamic stability) performed at Invitae indicates that this missense variant is not expected to disrupt CLCN2 protein function. This variant has not been reported in the literature in individuals affected with CLCN2-related conditions. This variant is present in population databases (no rsID available, gnomAD 0.006%). This sequence change replaces leucine, which is neutral and non-polar, with proline, which is neutral and non-polar, at codon 762 of the CLCN2 protein (p.Leu762Pro).

Ambry Genetics
Classification: Uncertain significance for Inborn genetic diseases. Last evaluated: 2021-07-09. Review status: criteria provided, single submitter. Criteria: Ambry Variant Classification Scheme 2023. Collection method: clinical testing. Allele origin: germline.